The following is an entry in ClinVar:

ClinVar aggregate classification (germline): Benign/Likely benign. Review status: criteria provided, multiple submitters, no conflicts (2 of 4 stars). 10 submissions from 10 submitters: Benign (7); Likely benign (3). Last evaluated 2026-02-02.

Conditions:
Ehlers-Danlos syndrome, classic type, 2 (EDSCL2). Also called: Ehlers-Danlos syndrome, type 2; Ehlers-Danlos syndrome type 2 (formerly); Ehlers-Danlos Syndrome, Classic Type, COL5A2-Related. Identifiers: Orphanet 287, Orphanet 90318, MedGen C0268336, MONDO:0019568, OMIM 130010.
Ehlers-Danlos syndrome, classic type, 1 (EDSCL1). Also called: Ehlers-Danlos syndrome, type 1; EHLERS-DANLOS SYNDROME, GRAVIS TYPE; EHLERS-DANLOS SYNDROME, SEVERE CLASSIC TYPE; Ehlers-Danlos Syndrome, Classic Type, COL5A1-Related; EDS I. Identifiers: MedGen C0268335, MONDO:0019567, OMIM 130000.
Familial thoracic aortic aneurysm and aortic dissection (TAAD). Also called: Thoracic aortic aneurysms and dissections. Identifiers: Orphanet 91387, MedGen C4707243, MONDO:0019625.

Allele frequency attached by ClinVar (database versions not stated): gnomAD exomes 0.00089 and 0.00221; ExAC 0.00278; 1000 Genomes Project 0.00859; gnomAD 0.00924 and 0.01007; 1000 Genomes Project 30x 0.01031; TOPMed 0.01037; ESP Exome Variant Server 0.01169.
gnomAD v4.1: 2,756 of 1,612,550 alleles (0.17%); highest among the groups gnomAD compares: African/African-American, 3.2%; 33 homozygotes.

Submissions (10):

Labcorp Genetics (formerly Invitae), Labcorp
Classification: Benign for Ehlers-Danlos syndrome, classic type, 1. Last evaluated: 2026-02-02. Review status: criteria provided, single submitter. Criteria: Invitae Variant Classification Sherloc (09022015). Collection method: clinical testing. Allele origin: germline.

Blueprint Genetics
Classification: Likely benign. Last evaluated: 2024-11-05. Review status: criteria provided, single submitter. Criteria: ACMG Guidelines, 2015. Collection method: clinical testing. Allele origin: germline.

Women's Health and Genetics/Laboratory Corporation of America, LabCorp
Classification: Likely benign. Last evaluated: 2023-07-21. Review status: criteria provided, single submitter. Criteria: LabCorp Variant Classification Summary - May 2015. Collection method: clinical testing. Allele origin: germline.

ARUP Laboratories, Molecular Genetics and Genomics, ARUP Laboratories
Classification: Benign for Ehlers-Danlos syndrome, classic type, 2. Last evaluated: 2023-03-28. Review status: criteria provided, single submitter. Criteria: ARUP Molecular Germline Variant Investigation Process 2024. Collection method: clinical testing. Allele origin: germline.

Mayo Clinic Laboratories, Mayo Clinic
Classification: Benign. Last evaluated: 2019-01-02. Review status: criteria provided, single submitter. Criteria: ACMG Guidelines, 2015. Collection method: clinical testing. Allele origin: germline. Observed: 20 variant alleles.

Illumina Laboratory Services, Illumina
Classification: Benign for Ehlers-Danlos syndrome, classic type, 2. Last evaluated: 2018-01-13. Review status: criteria provided, single submitter. Criteria: ICSL Variant Classification Criteria 13 December 2019. Collection method: clinical testing. Allele origin: germline.
Comment: This variant was observed in the ICSL laboratory as part of a predisposition screen in an ostensibly healthy population. It had not been previously curated by ICSL or reported in the Human Gene Mutation Database (HGMD: prior to June 1st, 2018), and was therefore a candidate for classification through an automated scoring system. Utilizing variant allele frequency, disease prevalence and penetrance estimates, and inheritance mode, an automated score was calculated to assess if this variant is too frequent to cause the disease. Based on the score and internal cut-off values, a variant classified as benign is not then subjected to further curation. The score for this variant resulted in a classification of benign for this disease.

Ambry Genetics
Classification: Benign for Familial thoracic aortic aneurysm and aortic dissection. Last evaluated: 2015-05-26. Review status: criteria provided, single submitter. Criteria: Ambry Variant Classification Scheme 2023. Collection method: clinical testing. Allele origin: germline.

GeneDx
Classification: Benign. Last evaluated: 2013-04-15. Review status: criteria provided, single submitter. Criteria: GeneDx Variant Classification (06012015). Collection method: clinical testing. Allele origin: germline. Affected: yes.
Comment: This variant is considered likely benign or benign based on one or more of the following criteria: it is a conservative change, it occurs at a poorly conserved position in the protein, it is predicted to be benign by multiple in silico algorithms, and/or has population frequency not consistent with disease.

Breakthrough Genomics
Classification: Likely benign. Review status: criteria provided, single submitter. Criteria: ACMG Guidelines, 2015. Collection method: not provided. Allele origin: germline. Inheritance: Autosomal dominant inheritance. Affected: yes.

PreventionGenetics, part of Exact Sciences
Classification: Benign. Review status: criteria provided, single submitter. Criteria: ACMG Guidelines, 2015. Collection method: clinical testing. Allele origin: germline.

NM_000393.5(COL5A2):c.1400C>T (p.Pro467Leu)

Gene: COL5A2 (collagen type V alpha 2 chain; minus strand). Cytogenetic location: 2q32.2.
Variant type: single nucleotide variant.
Coding change: c.1400C>T on transcript NM_000393.5 (MANE Select); coding-DNA position 1400, C replaced by T.
Protein change: p.Pro467Leu; replaces proline 467 with leucine.
Molecular consequence: missense variant.
Genome position (GRCh38, 1-based): chr2:189,068,016, G>A on the plus strand (C>T on the coding strand, the complement: COL5A2 is on the minus strand). VCF-style: chr2-189068016-G-A. GRCh37 (hg19) VCF-style: chr2-189932742-G-A.
Other names: p.P467L:CCG>CTG; c.1400C>T (NM_000393.4); short protein forms P467L.
Identifiers: ClinVar variation 136940 (VCV000136940.34), dbSNP rs115570272, ClinGen allele CA290374.